The following is an entry in ClinVar:

ClinVar aggregate classification (germline): Pathogenic (1 of 4 stars; one submission).

Conditions:
Neurofibromatosis, type 1 (NF1). Also called: Neurofibromatosis, type I; VON RECKLINGHAUSEN DISEASE; NEUROFIBROMATOSIS, TYPE I, SOMATIC; Peripheral type neurofibromatosis. Identifiers: Orphanet 636, MedGen C0027831, MONDO:0018975, OMIM 162200. Disease mechanism: loss of function.

Submission:

Labcorp Genetics (formerly Invitae), Labcorp
Classification: Pathogenic for Neurofibromatosis, type 1. Last evaluated: 2021-04-05. Review status: criteria provided, single submitter. Criteria: Invitae Variant Classification Sherloc (09022015). Collection method: clinical testing. Allele origin: germline.
Comment: For these reasons, this variant has been classified as Pathogenic. This variant has not been reported in the literature in individuals with NF1-related conditions. This variant is not present in population databases (ExAC no frequency). This sequence change creates a premature translational stop signal (p.Leu344Tyrfs*32) in the NF1 gene. It is expected to result in an absent or disrupted protein product. Loss-of-function variants in NF1 are known to be pathogenic (PMID: 10712197, 23913538).

Literature cited by the submitters: PubMed 10712197; PubMed 23913538.

NM_001042492.3(NF1):c.1030del (p.Leu344fs)

Gene: NF1 (neurofibromin 1; plus strand). Cytogenetic location: 17q11.2.
Variant type: Deletion.
Coding change: c.1030del on transcript NM_001042492.3 (MANE Select); coding-DNA position 1030, one base deleted (C; older notation c.1030delC).
Protein change: p.Leu344fs; shifts the reading frame from leucine 344.
Molecular consequence: frameshift variant.
Genome position (GRCh38, 1-based): chr17:31,200,563, C deleted; the last of 2 consecutive C bases (chr17:31,200,562-31,200,563); deleting either gives the same sequence. VCF-style (leftmost placement, unchanged base first): chr17-31200561-TC-T. GRCh37 (hg19) VCF-style: chr17-29527579-TC-T.
Other names: c.1030delC, p.Leu344Tyrfs (NM_000267.4); c.1030del, p.Leu344fs (NM_001128147.3); short protein forms L344fs.
Identifiers: ClinVar variation 1454281 (VCV001454281.6), dbSNP rs2143874232, ClinGen allele CA2573153538.